The following is an entry in ClinVar:

NM_001384.5(DPH2):c.844del (p.Arg282fs)

Genes: DPH2 (diphthamide biosynthesis 2; plus strand), LOC126805726 (CDK7 strongly-dependent group 2 enhancer GRCh37_chr1:44437355-44438554; plus strand). Cytogenetic location: 1p34.1.
Variant type: Deletion.
Coding change: c.844del on transcript NM_001384.5 (MANE Select); coding-DNA position 844, one base deleted (C; older notation c.844delC).
Protein change: p.Arg282fs; shifts the reading frame from arginine 282.
Molecular consequence: frameshift variant. On other transcripts: intron variant (1).
Genome position (GRCh38, 1-based): chr1:43,971,746, C deleted; the last of 3 consecutive C bases (chr1:43,971,744-43,971,746); deleting any one gives the same sequence. VCF-style (leftmost placement, unchanged base first): chr1-43971743-GC-G. GRCh37 (hg19) VCF-style: chr1-44437415-GC-G.
Other names: c.616del, p.Arg206fs (NM_001319165.2, NM_001319168.2); c.571del, p.Arg191fs (NM_001319166.2); c.265del, p.Arg89fs (NM_001319167.2, NM_001319170.2); c.439del, p.Arg147fs (NM_001319169.2); c.400del, p.Arg134fs (NM_001319171.2); c.485-412del (NM_001039589.2); short protein forms R134fs, R147fs, R191fs, R206fs, R282fs, R89fs.
Identifiers: ClinVar variation 3065569 (VCV003065569.2), dbSNP rs1557642000, ClinGen allele CA522807813.

ClinVar aggregate classification (germline): Conflicting classifications of pathogenicity. Review status: criteria provided, conflicting classifications (1 of 4 stars). 2 submissions from 2 submitters: Likely pathogenic (1); Uncertain significance (1). Last evaluated 2025-12-02.

Conditions:
Developmental delay with short stature, dysmorphic facial features, and sparse hair 2 (DEDSSH2). Also called: DIPHTHAMIDE DEFICIENCY SYNDROME 2. Identifiers: MedGen C5774223, MONDO:0100217, OMIM 620062.

Submissions (2):

Greenwood Genetic Center Diagnostic Laboratories, Greenwood Genetic Center
Classification: Uncertain significance. Last evaluated: 2025-12-02. Review status: criteria provided, single submitter. Criteria: ACMG Guidelines, 2015. Collection method: clinical testing. Allele origin: germline. Affected: yes.
Comment: PM2

Genomic Medicine Center of Excellence, King Faisal Specialist Hospital and Research Centre
Classification: Likely pathogenic for Developmental delay with short stature, dysmorphic facial features, and sparse hair 2. Last evaluated: 2024-03-29. Review status: criteria provided, single submitter. Criteria: ACMG Guidelines, 2015. Collection method: clinical testing. Allele origin: germline.